The following is an entry in ClinVar:

ClinVar aggregate classification (germline): Uncertain significance (1 of 4 stars; one submission).

Conditions:
Dyskeratosis congenita. Identifiers: Orphanet 1775, MedGen C0265965, MONDO:0015780.

Submission:

Ambry Genetics
Classification: Uncertain significance for Dyskeratosis congenita. Last evaluated: 2026-05-28. Review status: criteria provided, single submitter. Criteria: Ambry Variant Classification Scheme 2023. Collection method: clinical testing. Allele origin: germline.
Comment: The p.F27L variant (also known as c.81C>G), located in coding exon 1 of the TERT gene, results from a C to G substitution at nucleotide position 81. The phenylalanine at codon 27 is replaced by leucine, an amino acid with highly similar properties. This amino acid position is well conserved in available vertebrate species. In addition, the in silico prediction for this alteration is inconclusive. Based on the available evidence, the clinical significance of this variant remains unclear.

NM_198253.3(TERT):c.81C>G (p.Phe27Leu)

Genes: TERT (telomerase reverse transcriptase; minus strand), LOC110806263 (TERT 5' regulatory region; plus strand). Cytogenetic location: 5p15.33.
Variant type: single nucleotide variant.
Coding change: c.81C>G on transcript NM_198253.3 (MANE Select); coding-DNA position 81, C replaced by G.
Protein change: p.Phe27Leu; replaces phenylalanine 27 with leucine.
Molecular consequence: missense variant. On other transcripts: non-coding transcript variant (2).
Genome position (GRCh38, 1-based): chr5:1,294,909, G>C on the plus strand (C>G on the coding strand, the complement: TERT is on the minus strand). VCF-style: chr5-1294909-G-C. GRCh37 (hg19) VCF-style: chr5-1295024-G-C.
Other names: c.81C>G, p.Phe27Leu (NM_001193376.3); short protein forms F27L.
Identifiers: ClinVar variation 4865489 (VCV004865489.1).